The following is an entry in ClinVar:

ClinVar aggregate classification (germline): Uncertain significance (1 of 4 stars; one submission).

Allele frequency attached by ClinVar (database versions not stated): ExAC 0.00001; gnomAD 0.00001; gnomAD exomes 0.00001; TOPMed 0.00001.
gnomAD v4.1: 8 of 1,613,738 alleles (0.0005%); highest among the groups gnomAD compares: Middle Eastern, 0.016%; no homozygotes.

Submission:

Labcorp Genetics (formerly Invitae), Labcorp
Classification: Uncertain significance. Last evaluated: 2021-06-19. Review status: criteria provided, single submitter. Criteria: Invitae Variant Classification Sherloc (09022015). Collection method: clinical testing. Allele origin: germline.
Comment: In summary, the available evidence is currently insufficient to determine the role of this variant in disease. Therefore, it has been classified as a Variant of Uncertain Significance. Algorithms developed to predict the effect of missense changes on protein structure and function are either unavailable or do not agree on the potential impact of this missense change (SIFT: "Deleterious"; PolyPhen-2: "Probably Damaging"; Align-GVGD: "Class C0"). This variant has not been reported in the literature in individuals with MME-related conditions. This variant is present in population databases (rs762183866, ExAC 0.002%). This sequence change replaces valine with methionine at codon 623 of the MME protein (p.Val623Met). The valine residue is highly conserved and there is a small physicochemical difference between valine and methionine.

NM_007289.4(MME):c.1867G>A (p.Val623Met)

Gene: MME (membrane metalloendopeptidase; plus strand). Cytogenetic location: 3q25.2.
Variant type: single nucleotide variant.
Coding change: c.1867G>A on transcript NM_007289.4 (MANE Select); coding-DNA position 1867, G replaced by A.
Protein change: p.Val623Met; replaces valine 623 with methionine.
Molecular consequence: missense variant.
Genome position (GRCh38, 1-based): chr3:155,168,578, G>A. VCF-style: chr3-155168578-G-A. GRCh37 (hg19) VCF-style: chr3-154886367-G-A.
Other names: c.1867G>A, p.Val623Met (NM_000902.5, NM_001354642.2, NM_001354643.1 and 2 more transcripts); short protein forms V623M.
Identifiers: ClinVar variation 1503149 (VCV001503149.8), dbSNP rs762183866, ClinGen allele CA2675653.
Genomic context (GRCh38, chr3:155,168,578, plus strand): 5'-CTCGTTGACTGGTGGACTCAACAGTCTGCAAGTAACTTTAAGGAGCAATCCCAGTGCATG[G>A]TGTATCAGTATGGAAACTTTTCCTGGGACCTGGCAGGTGGACAGCACGTATGTCATTAGC-3'
Protein context (NP_009220.2, residues 613-633): SNFKEQSQCM[Val623Met]YQYGNFSWDL